The following is an entry in ClinVar:

ClinVar aggregate classification (germline): Uncertain significance (1 of 4 stars; one submission).

gnomAD v4.1: 1 of 1,612,524 alleles (0.000062%); highest among the groups gnomAD compares: Non-Finnish European, 0.000085%; no homozygotes.

Submission:

GeneDx
Classification: Uncertain significance. Last evaluated: 2024-01-09. Review status: criteria provided, single submitter. Criteria: GeneDx Variant Classification Process June 2021. Collection method: clinical testing. Allele origin: germline. Affected: yes.
Comment: Not observed at significant frequency in large population cohorts (gnomAD); In silico analysis supports that this missense variant does not alter protein structure/function; Has not been previously published as pathogenic or benign to our knowledge

NM_001365276.2(TNXB):c.9473C>G (p.Thr3158Ser)

Gene: TNXB (tenascin XB; minus strand). Cytogenetic location: 6p21.33.
Variant type: single nucleotide variant.
Coding change: c.9473C>G on transcript NM_001365276.2 (MANE Select); coding-DNA position 9473, C replaced by G.
Protein change: p.Thr3158Ser; replaces threonine 3158 with serine.
Molecular consequence: missense variant.
Genome position (GRCh38, 1-based): chr6:32,049,554, G>C on the plus strand (C>G on the coding strand, the complement: TNXB is on the minus strand). VCF-style: chr6-32049554-G-C. GRCh37 (hg19) VCF-style: chr6-32017331-G-C.
Other names: c.10214C>G, p.Thr3405Ser (NM_001428335.1); c.9467C>G, p.Thr3156Ser (NM_019105.8); short protein forms T3156S, T3158S, T3405S.
Identifiers: ClinVar variation 3367696 (VCV003367696.1).